The following is an entry in ClinVar:

NM_001130009.3(GEN1):c.2058G>T (p.Gln686His)

Gene: GEN1 (GEN1 Holliday junction 5' flap endonuclease; plus strand). Cytogenetic location: 2p24.2.
Variant type: single nucleotide variant.
Coding change: c.2058G>T on transcript NM_001130009.3 (MANE Select); coding-DNA position 2058, G replaced by T.
Protein change: p.Gln686His; replaces glutamine 686 with histidine.
Molecular consequence: missense variant.
Genome position (GRCh38, 1-based): chr2:17,781,270, G>T. VCF-style: chr2-17781270-G-T. GRCh37 (hg19) VCF-style: chr2-17962537-G-T.
Other names: c.2058G>T, p.Gln686His (NM_182625.5); short protein forms Q686H.
Identifiers: ClinVar variation 3853425 (VCV003853425.1).

ClinVar aggregate classification (germline): Uncertain significance (1 of 4 stars; one submission).

gnomAD v4.1: 7 of 1,613,550 alleles (0.00043%); highest among the groups gnomAD compares: East Asian, 0.0045%; no homozygotes.

Submission:

Ambry Genetics
Classification: Uncertain significance. Last evaluated: 2024-12-14. Review status: criteria provided, single submitter. Criteria: Ambry Variant Classification Scheme 2023. Collection method: clinical testing. Allele origin: germline.
Comment: The p.Q686H variant (also known as c.2058G>T), located in coding exon 13 of the GEN1 gene, results from a G to T substitution at nucleotide position 2058. The glutamine at codon 686 is replaced by histidine, an amino acid with highly similar properties. This amino acid position is conserved. In addition, this alteration is predicted to be tolerated by in silico analysis. Based on the available evidence, the clinical significance of this variant remains unclear.